The following is an entry in ClinVar:

NM_004304.5(ALK):c.4064C>G (p.Pro1355Arg)

Gene: ALK (ALK receptor tyrosine kinase; minus strand). Cytogenetic location: 2p23.2.
Variant type: single nucleotide variant.
Coding change: c.4064C>G on transcript NM_004304.5 (MANE Select); coding-DNA position 4064, C replaced by G.
Protein change: p.Pro1355Arg; replaces proline 1355 with arginine.
Molecular consequence: missense variant.
Genome position (GRCh38, 1-based): chr2:29,197,551, G>C on the plus strand (C>G on the coding strand, the complement: ALK is on the minus strand). VCF-style: chr2-29197551-G-C. GRCh37 (hg19) VCF-style: chr2-29420417-G-C.
Other names: c.860C>G, p.Pro287Arg (NM_001353765.2); short protein forms P1355R, P287R.
Identifiers: ClinVar variation 1737494 (VCV001737494.4), dbSNP rs1573084525, ClinGen allele CA346465801.
Genomic context (GRCh38, chr2:29,197,551, plus strand): 5'-AAAAGAAAAACTGCTTAGTAACTAGCAGAAGTGTTCCTAAAAGAGTCATACACAGGCCCA[G>C]GGCAGTTCTTGGGTGGGTCCATCCGGCCTCCACTGGTGACAAACTCCAGAACTTCCTGGT-3'
Protein context (NP_004295.2, residues 1345-1365): GGRMDPPKNC[Pro1355Arg]GPVYRIMTQC

ClinVar aggregate classification (germline): Uncertain significance. Review status: criteria provided, multiple submitters, no conflicts (2 of 4 stars). 2 submissions from 2 submitters: Uncertain significance (2). Last evaluated 2024-08-21.

Conditions:
Hereditary cancer-predisposing syndrome. Also called: Neoplastic Syndromes, Hereditary; Tumor predisposition; Hereditary Cancer Syndrome; Hereditary neoplastic syndrome. Identifiers: Orphanet 140162, MedGen C0027672, MeSH D009386, MONDO:0015356.
Neuroblastoma, susceptibility to, 3. Also called: ALK-Related Neuroblastic Tumor Susceptibility. Identifiers: Orphanet 635, MedGen C2751681, MONDO:0013083, OMIM 613014.

Submissions (2):

Labcorp Genetics (formerly Invitae), Labcorp
Classification: Uncertain significance for Neuroblastoma, susceptibility to, 3. Last evaluated: 2024-08-21. Review status: criteria provided, single submitter. Criteria: Invitae Variant Classification Sherloc (09022015). Collection method: clinical testing. Allele origin: germline.
Comment: This sequence change replaces proline, which is neutral and non-polar, with arginine, which is basic and polar, at codon 1355 of the ALK protein (p.Pro1355Arg). This variant is not present in population databases (gnomAD no frequency). This variant has not been reported in the literature in individuals affected with ALK-related conditions. ClinVar contains an entry for this variant (Variation ID: 1737494). An algorithm developed to predict the effect of missense changes on protein structure and function (PolyPhen-2) suggests that this variant is likely to be disruptive. In summary, the available evidence is currently insufficient to determine the role of this variant in disease. Therefore, it has been classified as a Variant of Uncertain Significance.

Ambry Genetics
Classification: Uncertain significance for Hereditary cancer-predisposing syndrome. Last evaluated: 2022-07-06. Review status: criteria provided, single submitter. Criteria: Ambry Variant Classification Scheme 2023. Collection method: clinical testing. Allele origin: germline.
Comment: The p.P1355R variant (also known as c.4064C>G), located in coding exon 27 of the ALK gene, results from a C to G substitution at nucleotide position 4064. The proline at codon 1355 is replaced by arginine, an amino acid with dissimilar properties. This amino acid position is highly conserved in available vertebrate species. In addition, the in silico prediction for this alteration is inconclusive. Since supporting evidence is limited at this time, the clinical significance of this alteration remains unclear.